The following is an entry in ClinVar:

ClinVar aggregate classification (germline): Likely pathogenic (1 of 4 stars; one submission).

Conditions:
Medium-chain acyl-coenzyme A dehydrogenase deficiency (ACADMD). Also called: Medium chain acyl-CoA dehydrogenase deficiency; MCAD Deficiency; MCADH DEFICIENCY; ACADM DEFICIENCY; CARNITINE DEFICIENCY SECONDARY TO MEDIUM-CHAIN ACYL-CoA DEHYDROGENASE DEFICIENCY; MCADD. Identifiers: Orphanet 42, MedGen C0220710, MONDO:0008721, OMIM 201450.

Allele frequency attached by ClinVar (database versions not stated): TOPMed below 0.00001.

Submission:

Women's Health and Genetics/Laboratory Corporation of America, LabCorp
Classification: Likely pathogenic for Medium-chain acyl-coenzyme A dehydrogenase deficiency. Last evaluated: 2018-09-24. Review status: criteria provided, single submitter. Criteria: LabCorp Variant Classification Summary - May 2015. Collection method: clinical testing. Allele origin: germline.
Comment: Variant summary: ACADM c.454G>T (p.Glu152X) results in a premature termination codon, predicted to cause a truncation of the encoded protein or absence of the protein due to nonsense mediated decay, which are commonly known mechanisms for disease. A truncation downstream of this position, c.1114dupG (p.Ala372fsX11) has been classified as pathogenic by our laboratory. The variant was absent in 246066 control chromosomes (gnomAD). To our knowledge, no occurrence of c.454G>T in individuals affected with Medium Chain Acyl-CoA Dehydrogenase Deficiency and no experimental evidence demonstrating its impact on protein function have been reported. No clinical diagnostic laboratories have submitted clinical-significance assessments for this variant to ClinVar after 2014. Based on the evidence outlined above, the variant was classified as likely pathogenic.

NM_000016.6(ACADM):c.454G>T (p.Glu152Ter)

Gene: ACADM (acyl-CoA dehydrogenase medium chain; plus strand). Cytogenetic location: 1p31.1.
Variant type: single nucleotide variant.
Coding change: c.454G>T on transcript NM_000016.6 (MANE Select); coding-DNA position 454, G replaced by T.
Protein change: p.Glu152Ter; replaces glutamic acid 152 with a stop codon.
Molecular consequence: nonsense. On other transcripts: intron variant (1).
Genome position (GRCh38, 1-based): chr1:75,734,857, G>T. VCF-style: chr1-75734857-G-T. GRCh37 (hg19) VCF-style: chr1-76200542-G-T.
Other names: c.466G>T, p.Glu156Ter (NM_001127328.3); c.346G>T, p.Glu116Ter (NM_001286042.2); c.553G>T, p.Glu185Ter (NM_001286043.2); c.-100+1935G>T (NM_001286044.2); short protein forms E152*, E116*, E185*, E156*.
Identifiers: ClinVar variation 632623 (VCV000632623.1), dbSNP rs1557446524, ClinGen allele CA340813005.